The following is an entry in ClinVar:

NM_000327.4(ROM1):c.257C>A (p.Ala86Glu)

Gene: ROM1 (retinal outer segment membrane protein 1; plus strand). Cytogenetic location: 11q12.3.
Variant type: single nucleotide variant.
Coding change: c.257C>A on transcript NM_000327.4 (MANE Select); coding-DNA position 257, C replaced by A.
Protein change: p.Ala86Glu; replaces alanine 86 with glutamic acid.
Molecular consequence: missense variant.
Genome position (GRCh38, 1-based): chr11:62,613,538, C>A. VCF-style: chr11-62613538-C-A. GRCh37 (hg19) VCF-style: chr11-62381010-C-A.
Other names: short protein forms A86E.
Identifiers: ClinVar variation 1926904 (VCV001926904.5), dbSNP rs546648976, ClinGen allele CA6049682.

ClinVar aggregate classification (germline): Uncertain significance (1 of 4 stars; one submission).

Allele frequency attached by ClinVar (database versions not stated): ExAC 0.00001; gnomAD 0.00001; 1000 Genomes Project 30x 0.00016; 1000 Genomes Project 0.00020.
gnomAD v4.1: 2 of 1,613,856 alleles (0.00012%); highest among the groups gnomAD compares: Admixed American, 0.0033%; no homozygotes.

Submission:

Labcorp Genetics (formerly Invitae), Labcorp
Classification: Uncertain significance. Last evaluated: 2022-04-06. Review status: criteria provided, single submitter. Criteria: Invitae Variant Classification Sherloc (09022015). Collection method: clinical testing. Allele origin: germline.
Comment: Algorithms developed to predict the effect of missense changes on protein structure and function are either unavailable or do not agree on the potential impact of this missense change (SIFT: "Tolerated"; PolyPhen-2: "Probably Damaging"; Align-GVGD: "Class C0"). In summary, the available evidence is currently insufficient to determine the role of this variant in disease. Therefore, it has been classified as a Variant of Uncertain Significance. This variant has not been reported in the literature in individuals affected with ROM1-related conditions. This variant is present in population databases (rs546648976, gnomAD 0.003%). This sequence change replaces alanine, which is neutral and non-polar, with glutamic acid, which is acidic and polar, at codon 86 of the ROM1 protein (p.Ala86Glu).